The following is an entry in ClinVar:

ClinVar aggregate classification (germline): Uncertain significance. Review status: criteria provided, multiple submitters, no conflicts (2 of 4 stars). 2 submissions from 2 submitters: Uncertain significance (2). Last evaluated 2025-04-17.

Conditions:
DICER1-related tumor predisposition. Also called: DICER1 syndrome; DICER1-related pleuropulmonary blastoma cancer predisposition syndrome. Identifiers: Orphanet 284343, MedGen C3839822, MONDO:0100216.
Hereditary cancer-predisposing syndrome. Also called: Neoplastic Syndromes, Hereditary; Hereditary Cancer Syndrome; Tumor predisposition; Hereditary neoplastic syndrome. Identifiers: Orphanet 140162, MedGen C0027672, MeSH D009386, MONDO:0015356.

Submissions (2):

Labcorp Genetics (formerly Invitae), Labcorp
Classification: Uncertain significance for DICER1-related tumor predisposition. Last evaluated: 2025-04-17. Review status: criteria provided, single submitter. Criteria: Invitae Variant Classification Sherloc (09022015). Collection method: clinical testing. Allele origin: germline.
Comment: This sequence change falls in intron 17 of the DICER1 gene. It does not directly change the encoded amino acid sequence of the DICER1 protein. It affects a nucleotide within the consensus splice site. This variant is not present in population databases (gnomAD no frequency). This variant has not been reported in the literature in individuals affected with DICER1-related conditions. ClinVar contains an entry for this variant (Variation ID: 2566145). Variants that disrupt the consensus splice site are a relatively common cause of aberrant splicing (PMID: 17576681, 9536098). Algorithms developed to predict the effect of sequence changes on RNA splicing suggest that this variant may disrupt the consensus splice site. In summary, the available evidence is currently insufficient to determine the role of this variant in disease. Therefore, it has been classified as a Variant of Uncertain Significance.

Ambry Genetics
Classification: Uncertain significance for Hereditary cancer-predisposing syndrome. Last evaluated: 2023-03-17. Review status: criteria provided, single submitter. Criteria: Ambry Variant Classification Scheme 2023. Collection method: clinical testing. Allele origin: germline.
Comment: The c.2804+5G>A intronic variant results from a G to A substitution 5 nucleotides after coding exon 16 in the DICER1 gene. This nucleotide position is highly conserved in available vertebrate species. In silico splice site analysis predicts that this alteration will not have any significant effect on splicing. Since supporting evidence is limited at this time, the clinical significance of this alteration remains unclear.

Literature cited by the submitters: PubMed 17576681 (cited by Labcorp Genetics (formerly Invitae), Labcorp); PubMed 9536098 (cited by Labcorp Genetics (formerly Invitae), Labcorp).

NM_177438.3(DICER1):c.2804+5G>A

Gene: DICER1 (dicer 1, ribonuclease III; minus strand). Cytogenetic location: 14q32.13.
Variant type: single nucleotide variant.
Coding change: c.2804+5G>A on transcript NM_177438.3 (MANE Select); 5 bases into the intron after coding-DNA position 2804, G replaced by A.
Molecular consequence: intron variant.
Genome position (GRCh38, 1-based): chr14:95,107,603, C>T on the plus strand (G>A on the coding strand, the complement: DICER1 is on the minus strand). VCF-style: chr14-95107603-C-T. GRCh37 (hg19) VCF-style: chr14-95573940-C-T.
Other names: c.2804+5G>A (NM_001291628.2, NM_030621.4, NM_001395677.1 and 12 more transcripts); c.2399+5G>A (NM_001395690.1, NM_001395687.1, NM_001395689.1 and 2 more transcripts); c.2522+5G>A (NM_001395686.1); c.2237+5G>A (NM_001395691.1); c.1121+5G>A (NM_001395697.1).
Identifiers: ClinVar variation 2566145 (VCV002566145.5), dbSNP rs1378763964, ClinGen allele CA615845309.
Genomic context (GRCh38, chr14:95,107,603, plus strand): 5'-CCCGACCTAGTGCATCTTTTAAAACAAAGTATCACCACCATTTTCCTTTCCATTTAAATA[C>T]CTACCTTGGAATGATAACGGCATCTTGGTAATCTTCTAATTTAAAAACAAAGGGTGTTTC-3'